The following is an entry in ClinVar:

NM_003072.5(SMARCA4):c.2123+4A>G

Gene: SMARCA4 (SWI/SNF related BAF chromatin remodeling complex subunit ATPase 4; plus strand). Cytogenetic location: 19p13.2.
Variant type: single nucleotide variant.
Coding change: c.2123+4A>G on transcript NM_003072.5 (MANE Select); 4 bases into the intron after coding-DNA position 2123, A replaced by G.
Molecular consequence: intron variant.
Genome position (GRCh38, 1-based): chr19:11,008,027, A>G. VCF-style: chr19-11008027-A-G. GRCh37 (hg19) VCF-style: chr19-11118703-A-G.
Other names: c.2123+4A>G (NM_001128844.3, NM_001128849.3, NM_001128847.4 and 5 more transcripts).
Identifiers: ClinVar variation 486496 (VCV000486496.6), dbSNP rs1555771706, ClinGen allele CA658656781.

ClinVar aggregate classification (germline): Uncertain significance (1 of 4 stars; one submission).

Conditions:
Hereditary cancer-predisposing syndrome. Also called: Tumor predisposition; Hereditary Cancer Syndrome; Neoplastic Syndromes, Hereditary; Hereditary neoplastic syndrome. Identifiers: Orphanet 140162, MedGen C0027672, MeSH D009386, MONDO:0015356.

Submission:

Ambry Genetics
Classification: Uncertain significance for Hereditary cancer-predisposing syndrome. Last evaluated: 2026-02-17. Review status: criteria provided, single submitter. Criteria: Ambry Variant Classification Scheme 2023. Collection method: clinical testing. Allele origin: germline.
Comment: The c.2123+4A>G intronic variant results from an A to G substitution 4 nucleotides after coding exon 13 in the SMARCA4 gene. This nucleotide position is highly conserved in available vertebrate species. In silico splice site analysis predicts that this alteration may weaken the native splice donor site and may result in the creation or strengthening of a novel splice donor site. Based on the available evidence, the clinical significance of this variant remains unclear.